The following is an entry in ClinVar:

NM_000334.4(SCN4A):c.3233T>C (p.Met1078Thr)

Genes: GH-LCR (growth hormone locus control region; plus strand), SCN4A (sodium voltage-gated channel alpha subunit 4; minus strand). Cytogenetic location: 17q23.3.
Variant type: single nucleotide variant.
Coding change: c.3233T>C on transcript NM_000334.4 (MANE Select); coding-DNA position 3233, T replaced by C.
Protein change: p.Met1078Thr; replaces methionine 1078 with threonine.
Molecular consequence: missense variant.
Genome position (GRCh38, 1-based): chr17:63,947,975, A>G on the plus strand (T>C on the coding strand, the complement: SCN4A is on the minus strand). VCF-style: chr17-63947975-A-G. GRCh37 (hg19) VCF-style: chr17-62025335-A-G.
Other names: short protein forms M1078T.
Identifiers: ClinVar variation 1998411 (VCV001998411.4), dbSNP rs763646335, ClinGen allele CA8709343.

ClinVar aggregate classification (germline): Uncertain significance (1 of 4 stars; one submission).

Conditions:
Hyperkalemic periodic paralysis. Also called: Familial hyperkalemic periodic paralysis; Gamstorp disease. Identifiers: Orphanet 682, MedGen C0238357, MONDO:0008224, OMIM 170500, HP:0007215.

Allele frequency attached by ClinVar (database versions not stated): gnomAD exomes below 0.00001; ExAC 0.00002.

Submission:

Labcorp Genetics (formerly Invitae), Labcorp
Classification: Uncertain significance for Hyperkalemic periodic paralysis. Last evaluated: 2022-06-15. Review status: criteria provided, single submitter. Criteria: Invitae Variant Classification Sherloc (09022015). Collection method: clinical testing. Allele origin: germline.
Comment: This variant has not been reported in the literature in individuals affected with SCN4A-related conditions. This variant is present in population databases (rs763646335, gnomAD 0.006%). Algorithms developed to predict the effect of missense changes on protein structure and function are either unavailable or do not agree on the potential impact of this missense change (SIFT: "Deleterious"; PolyPhen-2: "Benign"; Align-GVGD: "Class C15"). In summary, the available evidence is currently insufficient to determine the role of this variant in disease. Therefore, it has been classified as a Variant of Uncertain Significance. This sequence change replaces methionine, which is neutral and non-polar, with threonine, which is neutral and polar, at codon 1078 of the SCN4A protein (p.Met1078Thr).